The following is an entry in ClinVar:

ClinVar aggregate classification (germline): Likely benign (1 of 4 stars; one submission).

gnomAD v4.1: 241 of 1,613,344 alleles (0.015%); highest among the groups gnomAD compares: Middle Eastern, 0.23%; 2 homozygotes.

Submission:

CeGaT Center for Human Genetics Tuebingen
Classification: Likely benign. Last evaluated: 2022-04-01. Review status: criteria provided, single submitter. Criteria: CeGaT Center For Human Genetics Tuebingen Variant Classification Criteria Version 2. Collection method: clinical testing. Allele origin: germline. Affected: yes. Observed: 1 variant allele.
Comment: VWA2: BP4, BP7

NM_001272046.2(VWA2):c.1293G>A (p.Glu431=)

Genes: AFAP1L2 (actin filament associated protein 1 like 2; minus strand), VWA2 (von Willebrand factor A domain containing 2; plus strand). Cytogenetic location: 10q25.3.
Variant type: single nucleotide variant.
Coding change: c.1293G>A on transcript NM_001272046.2 (MANE Select); coding-DNA position 1293, G replaced by A.
Protein change: p.Glu431=; no amino-acid change (glutamic acid 431 retained).
Molecular consequence: synonymous variant.
Genome position (GRCh38, 1-based): chr10:114,286,234, G>A. VCF-style: chr10-114286234-G-A. GRCh37 (hg19) VCF-style: chr10-116045993-G-A.
Other names: c.1293G>A, p.Glu431= (NM_001320804.1).
Identifiers: ClinVar variation 2640861 (VCV002640861.24), dbSNP rs566742651, ClinGen allele CA5700653.